The following is an entry in ClinVar:

ClinVar aggregate classification (germline): Uncertain significance (1 of 4 stars; one submission).

Conditions:
ALMS1-related disorder. Also called: ALMS1-related condition.

Submission:

PreventionGenetics, part of Exact Sciences
Classification: Uncertain significance for ALMS1-related condition. Last evaluated: 2026-04-22. Review status: criteria provided, single submitter. Criteria: ACMG Guidelines, 2015. Collection method: clinical testing. Allele origin: germline.
Comment: The ALMS1 c.2371G>C variant is predicted to result in the amino acid substitution p.Ala791Pro. To our knowledge, this variant has not been reported in the literature. This variant is reported in 0.00089% of alleles in individuals of European (Non-Finnish) descent in gnomAD. At this time, the clinical significance of this variant is uncertain due to the absence of conclusive functional and genetic evidence.

NM_001378454.1(ALMS1):c.2368G>C (p.Val790Leu)

Gene: ALMS1 (ALMS1 centrosome and basal body associated protein; plus strand). Cytogenetic location: 2p13.1.
Variant type: single nucleotide variant.
Coding change: c.2368G>C on transcript NM_001378454.1 (MANE Select); coding-DNA position 2368, G replaced by C.
Protein change: p.Val790Leu; replaces valine 790 with leucine.
Molecular consequence: missense variant.
Genome position (GRCh38, 1-based): chr2:73,448,895, G>C. VCF-style: chr2-73448895-G-C. GRCh37 (hg19) VCF-style: chr2-73676022-G-C.
Other names: c.2371G>C, p.Val791Leu (NM_015120.4); short protein forms V791L, V790L.
Identifiers: ClinVar variation 4984347 (VCV004984347.1).